The following is an entry in ClinVar:

NM_001127649.3(PEX26):c.799G>A (p.Val267Met)

Gene: PEX26 (peroxisomal biogenesis factor 26; plus strand). Cytogenetic location: 22q11.21.
Variant type: single nucleotide variant.
Coding change: c.799G>A on transcript NM_001127649.3 (MANE Select); coding-DNA position 799, G replaced by A.
Protein change: p.Val267Met; replaces valine 267 with methionine.
Molecular consequence: missense variant. On other transcripts: intron variant (1).
Genome position (GRCh38, 1-based): chr22:18,085,243, G>A. VCF-style: chr22-18085243-G-A. GRCh37 (hg19) VCF-style: chr22-18568009-G-A.
Other names: c.799G>A, p.Val267Met (NM_017929.6); c.667+1511G>A (NM_001199319.2); c.799G>A (NM_017929.5); short protein forms V267M.
Identifiers: ClinVar variation 1525590 (VCV001525590.4), dbSNP rs1376246557, ClinGen allele CA410268777.
Genomic context (GRCh38, chr22:18,085,243, plus strand): 5'-TTCTTTTCTCTGCCCTTCAAAAAGAGTCTCCTGGCTGCCTTGATCCTCTGTCTCCTGGTG[G>A]TGAGATTTGATCCAGGTAAGAGGTGGAGACTCTCCCCTGTCCTTCCTGGGAAGGGGTTGT-3'
Protein context (NP_001121121.1, residues 257-277): LAALILCLLV[Val267Met]RFDPASPSSL

ClinVar aggregate classification (germline): Uncertain significance. Review status: criteria provided, multiple submitters, no conflicts (2 of 4 stars). 2 submissions from 2 submitters: Uncertain significance (2). Last evaluated 2022-08-22.

Conditions:
Peroxisome biogenesis disorder 7A (Zellweger). Also called: Peroxisome biogenesis disorder 7A. Identifiers: Orphanet 912, MedGen C3888385, MONDO:0013938, OMIM 614872.
Peroxisome biogenesis disorder 7B (PBD7B). Identifiers: Orphanet 44, MedGen C3553951, MONDO:0013939, OMIM 614873.
Inborn genetic diseases. Identifiers: MedGen C0950123, MeSH D030342.

Allele frequency attached by ClinVar (database versions not stated): gnomAD 0.00001; gnomAD exomes below 0.00001; TOPMed 0.00002.

Submissions (2):

Labcorp Genetics (formerly Invitae), Labcorp
Classification: Uncertain significance for Peroxisome biogenesis disorder 7A (Zellweger); Peroxisome biogenesis disorder 7B. Last evaluated: 2022-08-22. Review status: criteria provided, single submitter. Criteria: Invitae Variant Classification Sherloc (09022015). Collection method: clinical testing. Allele origin: germline.
Comment: This sequence change replaces valine, which is neutral and non-polar, with methionine, which is neutral and non-polar, at codon 267 of the PEX26 protein (p.Val267Met). This variant is present in population databases (no rsID available, gnomAD 0.006%). This variant has not been reported in the literature in individuals affected with PEX26-related conditions. ClinVar contains an entry for this variant (Variation ID: 1525590). Algorithms developed to predict the effect of missense changes on protein structure and function (SIFT, PolyPhen-2, Align-GVGD) all suggest that this variant is likely to be tolerated. In summary, the available evidence is currently insufficient to determine the role of this variant in disease. Therefore, it has been classified as a Variant of Uncertain Significance.

Ambry Genetics
Classification: Uncertain significance for Inborn genetic diseases. Last evaluated: 2021-07-15. Review status: criteria provided, single submitter. Criteria: Ambry Variant Classification Scheme 2023. Collection method: clinical testing. Allele origin: germline.